The following is an entry in ClinVar:

ClinVar aggregate classification (germline): Uncertain significance (1 of 4 stars; one submission).

Allele frequency attached by ClinVar (database versions not stated): gnomAD exomes below 0.00001; ExAC 0.00002; gnomAD 0.00003; TOPMed 0.00003; ESP Exome Variant Server 0.00008; 1000 Genomes Project 30x 0.00016; 1000 Genomes Project 0.00020.
gnomAD v4.1: 8 of 1,457,496 alleles (0.00055%); highest among the groups gnomAD compares: African/African-American, 0.007%; no homozygotes.

Submission:

Labcorp Genetics (formerly Invitae), Labcorp
Classification: Uncertain significance. Last evaluated: 2022-08-23. Review status: criteria provided, single submitter. Criteria: Invitae Variant Classification Sherloc (09022015). Collection method: clinical testing. Allele origin: germline.
Comment: This sequence change replaces glutamic acid, which is acidic and polar, with glycine, which is neutral and non-polar, at codon 335 of the TSFM protein (p.Glu335Gly). This variant is present in population databases (rs370807776, gnomAD 0.02%). This variant has not been reported in the literature in individuals affected with TSFM-related conditions. Algorithms developed to predict the effect of missense changes on protein structure and function are either unavailable or do not agree on the potential impact of this missense change (SIFT: "Deleterious"; PolyPhen-2: "Not Available"; Align-GVGD: "Class C0"). In summary, the available evidence is currently insufficient to determine the role of this variant in disease. Therefore, it has been classified as a Variant of Uncertain Significance.

NM_005726.6(TSFM):c.941A>G (p.Glu314Gly)

Gene: TSFM (Ts translation elongation factor, mitochondrial; plus strand). Cytogenetic location: 12q14.1.
Variant type: single nucleotide variant.
Coding change: c.941A>G on transcript NM_005726.6 (MANE Select); coding-DNA position 941, A replaced by G.
Protein change: p.Glu314Gly; replaces glutamic acid 314 with glycine.
Molecular consequence: missense variant. On other transcripts: 3 prime UTR variant (1), intron variant (1).
Genome position (GRCh38, 1-based): chr12:57,796,546, A>G. VCF-style: chr12-57796546-A-G. GRCh37 (hg19) VCF-style: chr12-58190329-A-G.
Other names: c.*349A>G (NM_001172695.2); c.1004A>G, p.Glu335Gly (NM_001172696.2); c.571+3473A>G (NM_001172697.2); short protein forms E314G, E335G.
Identifiers: ClinVar variation 2169960 (VCV002169960.1), dbSNP rs370807776, ClinGen allele CA6659481.